The following is an entry in ClinVar:

ClinVar aggregate classification (germline): Uncertain significance (1 of 4 stars; one submission).

Conditions:
Hermansky-Pudlak syndrome 2 (HPS2). Also called: Platelet defects and oculocutaneous albinism. Identifiers: Orphanet 183678, Orphanet 79430, MedGen C1842362, MONDO:0011997, OMIM 608233.

Submission:

Labcorp Genetics (formerly Invitae), Labcorp
Classification: Uncertain significance for Hermansky-Pudlak syndrome 2. Last evaluated: 2021-05-21. Review status: criteria provided, single submitter. Criteria: Invitae Variant Classification Sherloc (09022015). Collection method: clinical testing. Allele origin: germline.
Comment: Algorithms developed to predict the effect of missense changes on protein structure and function are either unavailable or do not agree on the potential impact of this missense change (SIFT: "Deleterious"; PolyPhen-2: "Benign"; Align-GVGD: "Class C0"). In summary, the available evidence is currently insufficient to determine the role of this variant in disease. Therefore, it has been classified as a Variant of Uncertain Significance. This variant has not been reported in the literature in individuals with AP3B1-related conditions. This variant is not present in population databases (ExAC no frequency). This sequence change replaces tyrosine with histidine at codon 886 of the AP3B1 protein (p.Tyr886His). The tyrosine residue is moderately conserved and there is a moderate physicochemical difference between tyrosine and histidine.

NM_003664.5(AP3B1):c.2656T>C (p.Tyr886His)

Gene: AP3B1 (adaptor related protein complex 3 subunit beta 1; minus strand). Cytogenetic location: 5q14.1.
Variant type: single nucleotide variant.
Coding change: c.2656T>C on transcript NM_003664.5 (MANE Select); coding-DNA position 2656, T replaced by C.
Protein change: p.Tyr886His; replaces tyrosine 886 with histidine.
Molecular consequence: missense variant.
Genome position (GRCh38, 1-based): chr5:78,039,196, A>G on the plus strand (T>C on the coding strand, the complement: AP3B1 is on the minus strand). VCF-style: chr5-78039196-A-G. GRCh37 (hg19) VCF-style: chr5-77335020-A-G.
Other names: c.2509T>C, p.Tyr837His (NM_001271769.2); short protein forms Y837H, Y886H.
Identifiers: ClinVar variation 1468687 (VCV001468687.6), dbSNP rs2112100439, ClinGen allele CA360332179.